The following is an entry in ClinVar:

NM_006947.4(SRP72):c.485A>G (p.Glu162Gly)

Gene: SRP72 (signal recognition particle 72; plus strand). Cytogenetic location: 4q12.
Variant type: single nucleotide variant.
Coding change: c.485A>G on transcript NM_006947.4 (MANE Select); coding-DNA position 485, A replaced by G.
Protein change: p.Glu162Gly; replaces glutamic acid 162 with glycine.
Molecular consequence: missense variant. On other transcripts: non-coding transcript variant (1).
Genome position (GRCh38, 1-based): chr4:56,474,184, A>G. VCF-style: chr4-56474184-A-G. GRCh37 (hg19) VCF-style: chr4-57340350-A-G.
Other names: c.485A>G, p.Glu162Gly (NM_001267722.2); short protein forms E162G.
Identifiers: ClinVar variation 4865116 (VCV004865116.1).

ClinVar aggregate classification (germline): Uncertain significance (1 of 4 stars; one submission).

Submission:

Ambry Genetics
Classification: Uncertain significance. Last evaluated: 2026-03-23. Review status: criteria provided, single submitter. Criteria: Ambry Variant Classification Scheme 2023. Collection method: clinical testing. Allele origin: germline.
Comment: The p.E162G variant (also known as c.485A>G), located in coding exon 4 of the SRP72 gene, results from an A to G substitution at nucleotide position 485. The glutamic acid at codon 162 is replaced by glycine, an amino acid with similar properties. This amino acid position is conserved. In addition, this alteration is predicted to be tolerated by in silico analysis. Based on the available evidence, the clinical significance of this variant remains unclear.